The following is an entry in ClinVar:

ClinVar aggregate classification (germline): Uncertain significance (1 of 4 stars; one submission).

Conditions:
Hereditary cancer-predisposing syndrome. Also called: Neoplastic Syndromes, Hereditary; Tumor predisposition; Hereditary Cancer Syndrome; Hereditary neoplastic syndrome. Identifiers: Orphanet 140162, MedGen C0027672, MeSH D009386, MONDO:0015356.

Submission:

Ambry Genetics
Classification: Uncertain significance for Hereditary cancer-predisposing syndrome. Last evaluated: 2026-03-28. Review status: criteria provided, single submitter. Criteria: Ambry Variant Classification Scheme 2023. Collection method: clinical testing. Allele origin: germline.
Comment: The p.G891R variant (also known as c.2671G>C), located in coding exon 16 of the PTCH1 gene, results from a G to C substitution at nucleotide position 2671. The glycine at codon 891 is replaced by arginine, an amino acid with dissimilar properties. This amino acid position is highly conserved in available vertebrate species. In addition, this alteration is predicted to be deleterious by in silico analysis. Based on the available evidence, the clinical significance of this variant remains unclear.

NM_000264.5(PTCH1):c.2671G>C (p.Gly891Arg)

Gene: PTCH1 (patched 1; minus strand). Cytogenetic location: 9q22.32.
Variant type: single nucleotide variant.
Coding change: c.2671G>C on transcript NM_000264.5 (MANE Select); coding-DNA position 2671, G replaced by C.
Protein change: p.Gly891Arg; replaces glycine 891 with arginine.
Molecular consequence: missense variant. On other transcripts: non-coding transcript variant (1).
Genome position (GRCh38, 1-based): chr9:95,461,888, C>G on the plus strand (G>C on the coding strand, the complement: PTCH1 is on the minus strand). VCF-style: chr9-95461888-C-G. GRCh37 (hg19) VCF-style: chr9-98224170-C-G.
Other names: c.2473G>C, p.Gly825Arg (NM_001083602.3); c.2668G>C, p.Gly890Arg (NM_001083603.3); c.2218G>C, p.Gly740Arg (NM_001083604.3, NM_001083605.3, NM_001083606.3 and 1 more transcripts); c.2515G>C, p.Gly839Arg (NM_001354918.2); short protein forms G740R, G825R, G839R, G890R, G891R.
Identifiers: ClinVar variation 4862632 (VCV004862632.1).
Genomic context (GRCh38, chr9:95,461,888, plus strand): 5'-CGCCCTCAGTGCCCAGCAGCTGGAGTACCTGGCTGATGTCGATGGGCTTATCGCGGCTGC[C>G]GGTTTGCACCAGGAGTTTGTAGGCAAGGACTCCATCGTCTGATCCATTCTTGTAATTGTT-3'
Protein context (NP_000255.2, residues 881-901): VLAYKLLVQT[Gly891Arg]SRDKPIDISQ